The following is an entry in ClinVar:

ClinVar aggregate classification (germline): Uncertain significance (1 of 4 stars; one submission).

Conditions:
Neurofibromatosis, type 1 (NF1). Also called: VON RECKLINGHAUSEN DISEASE; Peripheral type neurofibromatosis; NEUROFIBROMATOSIS, TYPE I, SOMATIC; Neurofibromatosis, type I. Identifiers: Orphanet 636, MedGen C0027831, MONDO:0018975, OMIM 162200. Disease mechanism: loss of function.

gnomAD v4.1: 1 of 1,613,966 alleles (0.000062%); highest among the groups gnomAD compares: Non-Finnish European, 0.000085%; no homozygotes.

Submission:

Labcorp Genetics (formerly Invitae), Labcorp
Classification: Uncertain significance for Neurofibromatosis, type 1. Last evaluated: 2024-03-06. Review status: criteria provided, single submitter. Criteria: Invitae Variant Classification Sherloc (09022015). Collection method: clinical testing. Allele origin: germline.
Comment: This sequence change replaces asparagine, which is neutral and polar, with lysine, which is basic and polar, at codon 2688 of the NF1 protein (p.Asn2688Lys). This variant is not present in population databases (gnomAD no frequency). This variant has not been reported in the literature in individuals affected with NF1-related conditions. Advanced modeling of protein sequence and biophysical properties (such as structural, functional, and spatial information, amino acid conservation, physicochemical variation, residue mobility, and thermodynamic stability) performed at Invitae indicates that this missense variant is not expected to disrupt NF1 protein function with a negative predictive value of 95%. In summary, the available evidence is currently insufficient to determine the role of this variant in disease. Therefore, it has been classified as a Variant of Uncertain Significance.

NM_001042492.3(NF1):c.8127T>G (p.Asn2709Lys)

Gene: NF1 (neurofibromin 1; plus strand). Cytogenetic location: 17q11.2.
Variant type: single nucleotide variant.
Coding change: c.8127T>G on transcript NM_001042492.3 (MANE Select); coding-DNA position 8127, T replaced by G.
Protein change: p.Asn2709Lys; replaces asparagine 2709 with lysine.
Molecular consequence: missense variant.
Genome position (GRCh38, 1-based): chr17:31,358,982, T>G. VCF-style: chr17-31358982-T-G. GRCh37 (hg19) VCF-style: chr17-29686000-T-G.
Other names: c.8064T>G, p.Asn2688Lys (NM_000267.4); short protein forms N2709K, N2688K.
Identifiers: ClinVar variation 3634611 (VCV003634611.2).